The following is an entry in ClinVar:

NM_032043.3(BRIP1):c.3559G>A (p.Ala1187Thr)

Gene: BRIP1 (BRCA1 interacting DNA helicase 1; minus strand). Cytogenetic location: 17q23.2.
Variant type: single nucleotide variant.
Coding change: c.3559G>A on transcript NM_032043.3 (MANE Select); coding-DNA position 3559, G replaced by A.
Protein change: p.Ala1187Thr; replaces alanine 1187 with threonine.
Molecular consequence: missense variant.
Genome position (GRCh38, 1-based): chr17:61,683,487, C>T on the plus strand (G>A on the coding strand, the complement: BRIP1 is on the minus strand). VCF-style: chr17-61683487-C-T. GRCh37 (hg19) VCF-style: chr17-59760848-C-T.
Other names: p.A1187T:GCT>ACT; short protein forms A1187T.
Identifiers: ClinVar variation 182337 (VCV000182337.41), dbSNP rs367610893, ClinGen allele CA298847.

ClinVar aggregate classification (germline): Conflicting classifications of pathogenicity. Review status: criteria provided, conflicting classifications (1 of 4 stars). 13 submissions from 13 submitters: Uncertain significance (11); Likely benign (1). 1 of the submissions does not count toward it. Last evaluated 2026-04-24.

Conditions:
Ovarian cancer. Also called: OVARIAN CANCER, SOMATIC. Identifiers: Orphanet 213500, MedGen C1140680, MONDO:0008170, OMIM 167000.
Fanconi anemia complementation group J. Also called: BRIP1-Related Fanconi Anemia. Identifiers: Orphanet 84, MedGen C1836860, MONDO:0012187, OMIM 609054.
BRIP1-related disorder. Also called: BRIP1-related condition; BRIP1-related disorders. Identifiers: MedGen CN239206.
Breast and/or ovarian cancer. Identifiers: MedGen CN221562.
Familial cancer of breast. Also called: Hereditary breast cancer; BREAST CANCER, FAMILIAL; hereditary breast carcinoma. Identifiers: Orphanet 227535, MedGen C0346153, MONDO:0016419, OMIM 114480. Disease mechanism: loss of function.
Hereditary cancer-predisposing syndrome. Also called: Neoplastic Syndromes, Hereditary; Tumor predisposition; Hereditary neoplastic syndrome; Hereditary Cancer Syndrome. Identifiers: Orphanet 140162, MedGen C0027672, MeSH D009386, MONDO:0015356.

Allele frequency attached by ClinVar (database versions not stated): gnomAD exomes 0.00001 and 0.00004; ExAC 0.00004; TOPMed 0.00022; ESP Exome Variant Server 0.00023; gnomAD 0.00024 and 0.00027.
gnomAD v4.1: 57 of 1,613,542 alleles (0.0035%); highest among the groups gnomAD compares: African/African-American, 0.072%; no homozygotes.

Submissions (13):

PreventionGenetics, part of Exact Sciences
Classification: Uncertain significance for BRIP1-related condition. Last evaluated: 2026-04-24. Review status: criteria provided, single submitter. Criteria: ACMG Guidelines, 2015. Collection method: clinical testing. Allele origin: germline.
Comment: The BRIP1 c.3559G>A variant is predicted to result in the amino acid substitution p.Ala1187Thr. This variant was detected in two individuals with breast cancer (Supplementary Table 2, Easton et al. 2016. PubMed ID: 26921362; Table S3, Guindalini et al. 2022. PubMed ID: 35264596). This variant is reported in 0.048% of alleles in individuals of African descent in gnomAD. This variant has conflicting interpretations regarding its pathogenicity in ClinVar, ranging from likely benign to uncertain significance (Variation ID: 182337). Although we suspect that this variant may be benign, at this time, the clinical significance of this variant is uncertain due to the absence of conclusive functional and genetic evidence.

Dasa
Classification: Uncertain significance. Last evaluated: 2026-03-27. Review status: criteria provided, single submitter. Criteria: DASA Assertion Criteria. Collection method: clinical testing. Allele origin: germline.
Comment: NM_032043.3(BRIP1):c.3559G>A (p.Ala1187Thr) is a missense variant that results in the substitution of alanine with threonine. This variant is rare in population databases. Computational prediction algorithms are consistent with a benign effect. The currently available literature and clinical evidence are not sufficient to establish a definitive association between this variant and the reported condition. Therefore, this variant is classified as a variant of uncertain significance.

Labcorp Genetics (formerly Invitae), Labcorp
Classification: Uncertain significance for Familial cancer of breast; Fanconi anemia complementation group J. Last evaluated: 2026-01-19. Review status: criteria provided, single submitter. Criteria: Invitae Variant Classification Sherloc (09022015). Collection method: clinical testing. Allele origin: germline.
Comment: This sequence change replaces alanine, which is neutral and non-polar, with threonine, which is neutral and polar, at codon 1187 of the BRIP1 protein (p.Ala1187Thr). This variant is present in population databases (rs367610893, gnomAD 0.05%). This missense change has been observed in individual(s) with breast and/or ovarian cancer (PMID: 26921362, 34503154, 35264596). ClinVar contains an entry for this variant (Variation ID: 182337). Invitae Evidence Modeling of protein sequence and biophysical properties (such as structural, functional, and spatial information, amino acid conservation, physicochemical variation, residue mobility, and thermodynamic stability) indicates that this missense variant is not expected to disrupt BRIP1 protein function with a negative predictive value of 95%. In summary, the available evidence is currently insufficient to determine the role of this variant in disease. Therefore, it has been classified as a Variant of Uncertain Significance.

Quest Diagnostics Nichols Institute San Juan Capistrano
Classification: Uncertain significance. Last evaluated: 2025-11-07. Review status: criteria provided, single submitter. Criteria: Quest Diagnostics criteria. Collection method: clinical testing. Allele origin: unknown.
Comment: The BRIP1 c.3559G>A (p.Ala1187Thr) variant has been reported in the published literature in individuals affected with breast/ovarian cancer (PMIDs: 26921362 (2016), 34503154 (2021), 35264596 (2022)) and pancreatic cancer (PMID: 39256447 (2024)). The frequency of this variant in the general population (Genome Aggregation Database) is higher than would generally be expected for pathogenic variants in this gene. Analysis of this variant using bioinformatics tools for the prediction of the effect of amino acid changes on protein structure and function yielded predictions that this variant is benign. Based on the available information, we are unable to determine the clinical significance of this variant.

Color Diagnostics, LLC DBA Color Health
Classification: Uncertain significance for Hereditary cancer-predisposing syndrome. Last evaluated: 2025-03-11. Review status: criteria provided, single submitter. Criteria: ACMG Guidelines, 2015. Collection method: clinical testing. Allele origin: germline.
Comment: This missense variant replaces alanine with threonine at codon 1187 of the BRIP1 protein. Computational prediction suggests that this variant may not impact protein structure and function. To our knowledge, functional studies have not been reported for this variant. This variant has been reported in individuals affected with breast cancer (PMID: 26921362, 35264596, 38874686) and ovarian cancer (PMID: 34503154). This variant also has been identified in 13/282120 chromosomes in the general population by the Genome Aggregation Database (gnomAD) and in 2 individuals age 70 years or older without cancer in the FLOSSIES database. The available evidence is insufficient to determine the role of this variant in disease conclusively. Therefore, this variant is classified as a Variant of Uncertain Significance.

Women's Health and Genetics/Laboratory Corporation of America, LabCorp
Classification: Uncertain significance. Last evaluated: 2025-02-13. Review status: criteria provided, single submitter. Criteria: LabCorp Variant Classification Summary - May 2015. Collection method: clinical testing. Allele origin: germline.
Comment: Variant summary: BRIP1 c.3559G>A (p.Ala1187Thr) results in a non-conservative amino acid change in the encoded protein sequence. Four of five in-silico tools predict a benign effect of the variant on protein function. The variant allele was found at a frequency of 4.4e-05 in 250716 control chromosomes. This frequency is not significantly higher than estimated for a pathogenic variant in BRIP1 causing Breast Cancer (4.4e-05 vs 6.3e-05), allowing no conclusion about variant significance. c.3559G>A has been reported in the literature in individuals affected with breast cancer (example: Easton_2016, Guindalini_2022). These report(s) do not provide unequivocal conclusions about association of the variant with Breast Cancer. To our knowledge, no experimental evidence demonstrating an impact on protein function has been reported. The following publications have been ascertained in the context of this evaluation (PMID: 26921362, 35264596). ClinVar contains an entry for this variant (Variation ID: 182337). Based on the evidence outlined above, the variant was classified as uncertain significance.

GeneDx
Classification: Uncertain significance. Last evaluated: 2024-11-03. Review status: criteria provided, single submitter. Criteria: GeneDx Variant Classification Process June 2021. Collection method: clinical testing. Allele origin: germline. Affected: yes.
Comment: In silico analysis indicates that this missense variant does not alter protein structure/function; Observed in individuals with breast cancer (PMID: 26921362, 35264596); This variant is associated with the following publications: (PMID: 25801821, 26921362, 35264596)

Baylor Genetics
Classification: Uncertain significance for Familial cancer of breast. Last evaluated: 2024-01-22. Review status: criteria provided, single submitter. Criteria: ACMG Guidelines, 2015. Collection method: clinical testing. Allele origin: unknown.

CHEO Genetics Diagnostic Laboratory, Children's Hospital of Eastern Ontario
Classification: Uncertain significance for Breast and/or ovarian cancer. Last evaluated: 2023-06-29. Review status: criteria provided, single submitter. Criteria: ACMG Guidelines, 2015. Collection method: clinical testing. Allele origin: germline.

Myriad Genetics, Inc.
Classification: Uncertain significance for Familial cancer of breast. Last evaluated: 2023-02-28. Review status: criteria provided, single submitter. Criteria: Myriad Autosomal Dominant, Autosomal Recessive and X-Linked Classification Criteria (2023). Collection method: clinical testing. Allele origin: unknown.
Comment: This variant is classified as a variant of uncertain significance as there is insufficient evidence to determine its impact on protein function and/or cancer risk.

Ambry Genetics
Classification: Likely benign for Hereditary cancer-predisposing syndrome. Last evaluated: 2021-07-19. Review status: criteria provided, single submitter. Criteria: Ambry Variant Classification Scheme 2023. Collection method: clinical testing. Allele origin: germline.

Mendelics
Classification: Uncertain significance for Familial cancer of breast. Last evaluated: 2019-05-28. Review status: criteria provided, single submitter. Criteria: Mendelics Assertion Criteria 2017. Collection method: clinical testing. Allele origin: unknown.

Counsyl
Classification: Uncertain significance for Fanconi anemia complementation group J; Ovarian cancer. Last evaluated: 2017-05-01. Review status: no assertion criteria provided. Collection method: clinical testing. Allele origin: unknown. Not counted in ClinVar's aggregate classification.

Literature cited by the submitters: PubMed 26921362 (cited by 6 submitters); PubMed 34503154 (cited by 3 submitters); PubMed 35264596 (cited by 4 submitters); PubMed 25801821 (cited by Quest Diagnostics Nichols Institute San Juan Capistrano); PubMed 38874686 (cited by Quest Diagnostics Nichols Institute San Juan Capistrano and Color Diagnostics, LLC DBA Color Health); PubMed 39256447 (cited by Quest Diagnostics Nichols Institute San Juan Capistrano).